The following is an entry in ClinVar:

NM_000821.7(GGCX):c.435A>G (p.Pro145=)

Gene: GGCX (gamma-glutamyl carboxylase; minus strand). Cytogenetic location: 2p11.2.
Variant type: single nucleotide variant.
Coding change: c.435A>G on transcript NM_000821.7 (MANE Select); coding-DNA position 435, A replaced by G.
Protein change: p.Pro145=; no amino-acid change (proline 145 retained).
Molecular consequence: synonymous variant.
Genome position (GRCh38, 1-based): chr2:85,558,544, T>C on the plus strand (A>G on the coding strand, the complement: GGCX is on the minus strand). VCF-style: chr2-85558544-T-C. GRCh37 (hg19) VCF-style: chr2-85785667-T-C.
Other names: c.264A>G, p.Pro88= (NM_001142269.4); c.435A>G (NM_000821.6).
Identifiers: ClinVar variation 1991945 (VCV001991945.6), dbSNP rs189477770, ClinGen allele CA1742128.
Genomic context (GRCh38, chr2:85,558,544, plus strand): 5'-CCCATACAGATAGGAGTGGTTGTTCCATGATGTCTTGTCCAGGAGAAACACATACCAGTA[T>C]GGCAGCAGGAATAACACACAGCTTATCCGGTAGCACAGGCCCAGCATCATGCCCAGTGCC-3'
Protein context (NP_000812.2, residues 135-155): YRISCVLFLL[Pro145=]YWYVFLLDKT

ClinVar aggregate classification (germline): Likely benign. Review status: criteria provided, single submitter (1 of 4 stars). 2 submissions from 2 submitters: Likely benign (1). 1 of the submissions does not count toward it. Last evaluated 2025-12-24.

Conditions:
GGCX-related disorder. Also called: GGCX-related condition; GGCX - Related Disorders.

Allele frequency attached by ClinVar (database versions not stated): ExAC 0.00001; gnomAD exomes 0.00001; TOPMed 0.00001; gnomAD 0.00002; 1000 Genomes Project 30x 0.00016; 1000 Genomes Project 0.00020.

Submissions (2):

Labcorp Genetics (formerly Invitae), Labcorp
Classification: Likely benign. Last evaluated: 2025-12-24. Review status: criteria provided, single submitter. Criteria: Invitae Variant Classification Sherloc (09022015). Collection method: clinical testing. Allele origin: germline.

PreventionGenetics, part of Exact Sciences
Classification: Likely benign for GGCX-related condition. Last evaluated: 2022-04-17. Review status: no assertion criteria provided. Collection method: clinical testing. Allele origin: germline. Not counted in ClinVar's aggregate classification.
Comment: This variant is classified as likely benign based on ACMG/AMP sequence variant interpretation guidelines (Richards et al. 2015 PMID: 25741868, with internal and published modifications).